The following is an entry in ClinVar:

NM_024675.4(PALB2):c.2999G>A (p.Gly1000Asp)

Gene: PALB2 (partner and localizer of BRCA2; minus strand). Cytogenetic location: 16p12.2.
Variant type: single nucleotide variant.
Coding change: c.2999G>A on transcript NM_024675.4 (MANE Select); coding-DNA position 2999, G replaced by A.
Protein change: p.Gly1000Asp; replaces glycine 1000 with aspartic acid.
Molecular consequence: missense variant.
Genome position (GRCh38, 1-based): chr16:23,621,476, C>T on the plus strand (G>A on the coding strand, the complement: PALB2 is on the minus strand). VCF-style: chr16-23621476-C-T. GRCh37 (hg19) VCF-style: chr16-23632797-C-T.
Other names: short protein forms G1000D.
Identifiers: ClinVar variation 822480 (VCV000822480.13), dbSNP rs1597079946, ClinGen allele CA395143234.

ClinVar aggregate classification (germline): Uncertain significance. Review status: criteria provided, multiple submitters, no conflicts (2 of 4 stars). 5 submissions from 5 submitters: Uncertain significance (4). 1 of the submissions does not count toward it. Last evaluated 2025-03-19.

Conditions:
Familial cancer of breast. Also called: BREAST CANCER, FAMILIAL; hereditary breast carcinoma; Hereditary breast cancer. Identifiers: Orphanet 227535, MedGen C0346153, MONDO:0016419, OMIM 114480. Disease mechanism: loss of function.
Hereditary cancer-predisposing syndrome. Also called: Tumor predisposition; Hereditary Cancer Syndrome; Hereditary neoplastic syndrome; Neoplastic Syndromes, Hereditary. Identifiers: Orphanet 140162, MedGen C0027672, MeSH D009386, MONDO:0015356.
Carcinoma of colon (CRC). Also called: Colonic carcinoma; Colon carcinoma. Identifiers: MedGen C0699790, MONDO:0002032.

Submissions (5):

Molecular Pathology, Peter Maccallum Cancer Centre
Classification: Uncertain significance for Familial cancer of breast. Last evaluated: 2025-03-19. Review status: criteria provided, single submitter. Criteria: ACMG Guidelines, 2015. Collection method: clinical testing. Allele origin: germline. Inheritance: Autosomal dominant inheritance.

Labcorp Genetics (formerly Invitae), Labcorp
Classification: Uncertain significance for Familial cancer of breast. Last evaluated: 2024-11-18. Review status: criteria provided, single submitter. Criteria: Invitae Variant Classification Sherloc (09022015). Collection method: clinical testing. Allele origin: germline.
Comment: This sequence change replaces glycine, which is neutral and non-polar, with aspartic acid, which is acidic and polar, at codon 1000 of the PALB2 protein (p.Gly1000Asp). This variant is not present in population databases (gnomAD no frequency). This variant has not been reported in the literature in individuals affected with PALB2-related conditions. ClinVar contains an entry for this variant (Variation ID: 822480). An algorithm developed to predict the effect of missense changes on protein structure and function (PolyPhen-2) suggests that this variant is likely to be tolerated. In summary, the available evidence is currently insufficient to determine the role of this variant in disease. Therefore, it has been classified as a Variant of Uncertain Significance.

Ambry Genetics
Classification: Uncertain significance for Hereditary cancer-predisposing syndrome. Last evaluated: 2023-10-06. Review status: criteria provided, single submitter. Criteria: Ambry Variant Classification Scheme 2023. Collection method: clinical testing. Allele origin: germline.
Comment: The p.G1000D variant (also known as c.2999G>A), located in coding exon 10 of the PALB2 gene, results from a G to A substitution at nucleotide position 2999. The glycine at codon 1000 is replaced by aspartic acid, an amino acid with similar properties. This variant was observed in 1/3251 individuals who met eligibility criteria for hereditary breast and ovarian cancer syndrome (Lerner-Ellis J et al. J Cancer Res Clin Oncol, 2021 Mar;147:871-879). This amino acid position is poorly conserved in available vertebrate species. In addition, this alteration is predicted to be tolerated by in silico analysis. Since supporting evidence is limited at this time, the clinical significance of this alteration remains unclear.

Color Diagnostics, LLC DBA Color Health
Classification: Uncertain significance for Hereditary cancer-predisposing syndrome. Last evaluated: 2020-09-29. Review status: criteria provided, single submitter. Criteria: ACMG Guidelines, 2015. Collection method: clinical testing. Allele origin: germline.
Comment: This missense variant replaces glycine with aspartic acid at codon 1000 of the PALB2 protein. Computational prediction suggests that this variant may not impact protein structure and function (internally defined REVEL score threshold <= 0.5, PMID: 27666373). To our knowledge, functional studies have not been reported for this variant. This variant has not been reported in individuals affected with hereditary cancer in the literature. This variant has not been identified in the general population by the Genome Aggregation Database (gnomAD). The available evidence is insufficient to determine the role of this variant in disease conclusively. Therefore, this variant is classified as a Variant of Uncertain Significance.

Department of Pathology and Laboratory Medicine, Sinai Health System
Classification: Uncertain significance for Carcinoma of colon. Review status: no assertion criteria provided. Collection method: clinical testing. Allele origin: unknown. Affected: yes. Study: The Canadian Open Genetics Repository (COGR). Not counted in ClinVar's aggregate classification.
Comment: The PALB2 p.Gly1000Asp variant was not identified in the literature nor was it identified in the dbSNP, ClinVar, LOVD 3.0, Exome Aggregation Consortium (August 8th 2016), or the Genome Aggregation Database (Feb 27, 2017). The p.Gly1000 residue is not conserved in mammals and computational analyses (PolyPhen-2, SIFT, AlignGVGD, BLOSUM, MutationTaster) do not suggest a high likelihood of impact to the protein; however, this information is not predictive enough to rule out pathogenicity. The p.Gly1000Asp variant occurs in the first base of the exon. This position has been shown to be part of the splicing consensus sequence and variants involving this position sometimes affect splicing. However, in silico or computational prediction software programs (SpliceSiteFinder, MaxEntScan, NNSPLICE, GeneSplicer) do not predict a difference in splicing. In summary, based on the above information, the clinical significance of this variant cannot be determined with certainty at this time. This variant is classified as a variant of uncertain significance.

Literature cited by the submitters: PubMed 32885271 (cited by Ambry Genetics).